The following is an entry in ClinVar:

ClinVar aggregate classification (germline): Uncertain significance (1 of 4 stars; one submission).

Conditions:
Camptomelic dysplasia (CMPD). Also called: Campomelic Dysplasia; CMPD1/SRA1. Identifiers: Orphanet 140, MedGen C1861922, MONDO:0007251, OMIM 114290.

Submission:

Labcorp Genetics (formerly Invitae), Labcorp
Classification: Uncertain significance for Camptomelic dysplasia. Last evaluated: 2021-07-04. Review status: criteria provided, single submitter. Criteria: Invitae Variant Classification Sherloc (09022015). Collection method: clinical testing. Allele origin: germline.
Comment: In summary, the available evidence is currently insufficient to determine the role of this variant in disease. Therefore, it has been classified as a Variant of Uncertain Significance. This sequence change replaces glutamine with glutamic acid at codon 376 of the SOX9 protein (p.Gln376Glu). The glutamine residue is moderately conserved and there is a small physicochemical difference between glutamine and glutamic acid. This variant is not present in population databases (ExAC no frequency). This variant has not been reported in the literature in individuals affected with SOX9-related conditions. Advanced modeling of protein sequence and biophysical properties (such as structural, functional, and spatial information, amino acid conservation, physicochemical variation, residue mobility, and thermodynamic stability) performed at Invitae indicates that this missense variant is not expected to disrupt SOX9 protein function.

NM_000346.4(SOX9):c.1126C>G (p.Gln376Glu)

Gene: SOX9 (SRY-box transcription factor 9; plus strand). Cytogenetic location: 17q24.3.
Variant type: single nucleotide variant.
Coding change: c.1126C>G on transcript NM_000346.4 (MANE Select); coding-DNA position 1126, C replaced by G.
Protein change: p.Gln376Glu; replaces glutamine 376 with glutamic acid.
Molecular consequence: missense variant.
Genome position (GRCh38, 1-based): chr17:72,123,983, C>G. VCF-style: chr17-72123983-C-G. GRCh37 (hg19) VCF-style: chr17-70120124-C-G.
Other names: short protein forms Q376E.
Identifiers: ClinVar variation 1365723 (VCV001365723.8), dbSNP rs2143254472, ClinGen allele CA400867760.